The following is an entry in ClinVar:

NM_001048174.2(MUTYH):c.1051C>G (p.Gln351Glu)

Gene: MUTYH (mutY DNA glycosylase; minus strand). Cytogenetic location: 1p34.1.
Variant type: single nucleotide variant.
Coding change: c.1051C>G on transcript NM_001048174.2 (MANE Select); coding-DNA position 1051, C replaced by G.
Protein change: p.Gln351Glu; replaces glutamine 351 with glutamic acid.
Molecular consequence: missense variant. On other transcripts: non-coding transcript variant (7).
Genome position (GRCh38, 1-based): chr1:45,331,712, G>C on the plus strand (C>G on the coding strand, the complement: MUTYH is on the minus strand). VCF-style: chr1-45331712-G-C. GRCh37 (hg19) VCF-style: chr1-45797384-G-C.
Other names: c.1051C>G, p.Gln351Glu (NM_001048171.2, NM_001048173.2, NM_001293195.2 and 6 more transcripts); c.1054C>G, p.Gln352Glu (NM_001048172.2, NM_001407071.1, NM_001407078.1 and 1 more transcripts); c.1135C>G, p.Gln379Glu (NM_001128425.2); c.1096C>G, p.Gln366Glu (NM_001293190.2); c.1084C>G, p.Gln362Glu (NM_001293191.2, NM_001407069.1, NM_001407077.1); c.775C>G, p.Gln259Glu (NM_001293192.2, NM_001293196.2, NM_001407091.1); c.706C>G, p.Gln236Glu (NM_001350650.2, NM_001350651.2, NM_001407082.1); c.967C>G, p.Gln323Glu (NM_001407075.1); and 5 more; short protein forms Q259E, Q323E, Q337E, Q338E, Q358E, Q376E, Q352E, Q365E.
Identifiers: ClinVar variation 4113042 (VCV004113042.1).

ClinVar aggregate classification (germline): Uncertain significance (1 of 4 stars; one submission).

Conditions:
Hereditary cancer-predisposing syndrome. Also called: Tumor predisposition; Neoplastic Syndromes, Hereditary; Hereditary neoplastic syndrome; Hereditary Cancer Syndrome. Identifiers: Orphanet 140162, MedGen C0027672, MeSH D009386, MONDO:0015356.

Submission:

Ambry Genetics
Classification: Uncertain significance for Hereditary cancer-predisposing syndrome. Last evaluated: 2025-08-27. Review status: criteria provided, single submitter. Criteria: Ambry Variant Classification Scheme 2023. Collection method: clinical testing. Allele origin: germline.
Comment: The p.Q379E variant (also known as c.1135C>G), located in coding exon 12 of the MUTYH gene, results from a C to G substitution at nucleotide position 1135. The glutamine at codon 379 is replaced by glutamic acid, an amino acid with highly similar properties. This amino acid position is conserved. In addition, the in silico prediction for this alteration is inconclusive. Based on the available evidence, the clinical significance of this variant remains unclear.